The following is an entry in ClinVar:

ClinVar aggregate classification (germline): Benign/Likely benign. Review status: criteria provided, multiple submitters, no conflicts (2 of 4 stars). 4 submissions from 4 submitters: Benign (1); Likely benign (2). 1 of the submissions does not count toward it. Last evaluated 2026-01-01.

Conditions:
ABCA4-related disorder. Also called: ABCA4-related disorders; ABCA4-related condition. Identifiers: MedGen CN239167.

Allele frequency attached by ClinVar (database versions not stated): gnomAD exomes 0.00006 and 0.00016; ExAC 0.00016; 1000 Genomes Project 30x 0.00031; 1000 Genomes Project 0.00040; TOPMed 0.00062; gnomAD 0.00068 and 0.00073; ESP Exome Variant Server 0.00085.
gnomAD v4.1: 190 of 1,614,198 alleles (0.012%); highest among the groups gnomAD compares: African/African-American, 0.25%; 1 homozygote.

Submissions (4):

Labcorp Genetics (formerly Invitae), Labcorp
Classification: Benign. Last evaluated: 2026-01-01. Review status: criteria provided, single submitter. Criteria: Invitae Variant Classification Sherloc (09022015). Collection method: clinical testing. Allele origin: germline.

Blueprint Genetics
Classification: Likely benign. Last evaluated: 2022-12-01. Review status: criteria provided, single submitter. Criteria: ACMG Guidelines, 2015. Collection method: clinical testing. Allele origin: germline.

GeneDx
Classification: Likely benign. Last evaluated: 2016-03-02. Review status: criteria provided, single submitter. Criteria: GeneDx Variant Classification (06012015). Collection method: clinical testing. Allele origin: germline. Affected: yes.
Comment: This variant is considered likely benign or benign based on one or more of the following criteria: it is a conservative change, it occurs at a poorly conserved position in the protein, it is predicted to be benign by multiple in silico algorithms, and/or has population frequency not consistent with disease.

PreventionGenetics, part of Exact Sciences
Classification: Likely benign for ABCA4-related condition. Last evaluated: 2020-01-03. Review status: no assertion criteria provided. Collection method: clinical testing. Allele origin: germline. Not counted in ClinVar's aggregate classification.
Comment: This variant is classified as likely benign based on ACMG/AMP sequence variant interpretation guidelines (Richards et al. 2015 PMID: 25741868, with internal and published modifications).

NM_000350.3(ABCA4):c.3297A>C (p.Ser1099=)

Gene: ABCA4 (ATP binding cassette subfamily A member 4; minus strand). Cytogenetic location: 1p22.1.
Variant type: single nucleotide variant.
Coding change: c.3297A>C on transcript NM_000350.3 (MANE Select); coding-DNA position 3297, A replaced by C.
Protein change: p.Ser1099=; no amino-acid change (serine 1099 retained).
Molecular consequence: synonymous variant.
Genome position (GRCh38, 1-based): chr1:94,042,792, T>G on the plus strand (A>C on the coding strand, the complement: ABCA4 is on the minus strand). VCF-style: chr1-94042792-T-G. GRCh37 (hg19) VCF-style: chr1-94508348-T-G.
Other names: c.3075A>C, p.Ser1025= (NM_001425324.1).
Identifiers: ClinVar variation 384346 (VCV000384346.15), dbSNP rs148917659, ClinGen allele CA957991.